The following is an entry in ClinVar:

NC_000002.12:g.(?_214752441)_(214752561_?)del

Gene: BARD1 (BRCA1 associated RING domain 1; minus strand). Cytogenetic location: 2q35.
Variant type: Deletion.
Identifiers: ClinVar variation 460643 (VCV000460643.2).

ClinVar aggregate classification (germline): Pathogenic (1 of 4 stars; one submission).

Conditions:
Familial cancer of breast. Also called: BREAST CANCER, FAMILIAL; hereditary breast carcinoma; Hereditary breast cancer. Identifiers: Orphanet 227535, MedGen C0346153, MONDO:0016419, OMIM 114480. Disease mechanism: loss of function.

Submission:

Labcorp Genetics (formerly Invitae), Labcorp
Classification: Pathogenic for Familial cancer of breast. Last evaluated: 2017-06-15. Review status: criteria provided, single submitter. Criteria: Invitae Variant Classification Sherloc (09022015). Collection method: clinical testing. Allele origin: germline.
Comment: This variant is an out-of-frame deletion of the genomic region encompassing exon 7 of the BARD1 gene. This creates a premature translational stop signal and is expected to result in an absent or disrupted protein product. While this particular variant has not been reported in the literature, loss-of-function variants in BARD1 are known to be pathogenic (PMID: 21344236, 22006311, 20077502). For these reasons, this variant has been classified as Pathogenic.